The following is an entry in ClinVar:

ClinVar aggregate classification (germline): Likely pathogenic (1 of 4 stars; one submission).

Conditions:
CENPJ-related disorder. Also called: CENPJ-related condition; CENPJ-related disorders.

Submission:

PreventionGenetics, part of Exact Sciences
Classification: Likely pathogenic for CENPJ-related condition. Last evaluated: 2023-09-04. Review status: criteria provided, single submitter. Criteria: ACMG Guidelines, 2015. Collection method: clinical testing. Allele origin: germline.
Comment: The CENPJ c.2205_2206delTG variant is predicted to result in premature protein termination (p.Cys735*). To our knowledge, this variant has not been reported in the literature or in a large population database, indicating this variant is rare. This variant is interpreted as likely pathogenic.

NM_018451.5(CPAP):c.2205_2206del (p.Cys735_Asp736delinsTer)

Gene: CPAP (centrosome assembly and centriole elongation protein; minus strand). Cytogenetic location: 13q12.13.
Variant type: Microsatellite.
Coding change: c.2205_2206del on transcript NM_018451.5 (MANE Select); coding-DNA positions 2205 to 2206, 2 bases deleted (TG; older notation c.2205_2206delTG).
Protein change: p.Cys735_Asp736delinsTer.
Molecular consequence: nonsense. On other transcripts: non-coding transcript variant (2).
Genome position (GRCh38, 1-based): chr13:24,905,832-24,905,833, CA deleted on the plus strand (TG on the coding strand, the reverse complement: CPAP is on the minus strand); deleting any 2 consecutive bases within chr13:24,905,832-24,905,835 gives the same sequence; the c. name uses the placement nearest the transcript's 3' end. VCF-style (leftmost placement, unchanged base first): chr13-24905831-TCA-T. GRCh37 (hg19) VCF-style: chr13-25479969-TCA-T.
Identifiers: ClinVar variation 2631254 (VCV002631254.1), dbSNP rs2541687655, ClinGen allele CA912980261.
Genomic context (GRCh38, chr13:24,905,831, plus strand): 5'-AGATCAACATCTCTCCTTTTATCTTCTTGGGTCCTGGTGTCCTTAAAAGGCCCCTTATCA[TCA>T]CAGACTTGTGGGCTATCCTCTCTGCTGCTGATGCCCCTCTCTCTATCCTCAGTCGATGGT-3'